The following is an entry in ClinVar:

ClinVar aggregate classification (germline): Benign/Likely benign. Review status: criteria provided, multiple submitters, no conflicts (2 of 4 stars). 6 submissions from 6 submitters: Benign (1); Likely benign (4). 1 of the submissions does not count toward it. Last evaluated 2026-01-25.

Conditions:
Noonan syndrome 9 (NS9). Identifiers: Orphanet 648, MedGen C4225282, MONDO:0014691, OMIM 616559.
Cardiovascular phenotype. Identifiers: MedGen CN230736.
SOS2-related disorder. Also called: SOS2-related condition.

Allele frequency attached by ClinVar (database versions not stated): gnomAD exomes 0.00012; ExAC 0.00016; 1000 Genomes Project 30x 0.00031; 1000 Genomes Project 0.00040; TOPMed 0.00056; gnomAD 0.00064 and 0.00071; ESP Exome Variant Server 0.00069.
gnomAD v4.1: 197 of 1,613,672 alleles (0.012%); highest among the groups gnomAD compares: African/African-American, 0.22%; no homozygotes.

Submissions (6):

Labcorp Genetics (formerly Invitae), Labcorp
Classification: Likely benign for Noonan syndrome 9. Last evaluated: 2026-01-25. Review status: criteria provided, single submitter. Criteria: Invitae Variant Classification Sherloc (09022015). Collection method: clinical testing. Allele origin: germline.

Blueprint Genetics
Classification: Likely benign. Last evaluated: 2024-07-05. Review status: criteria provided, single submitter. Criteria: ACMG Guidelines, 2015. Collection method: clinical testing. Allele origin: germline.

Ambry Genetics
Classification: Benign for Cardiovascular phenotype. Last evaluated: 2019-09-28. Review status: criteria provided, single submitter. Criteria: Ambry Variant Classification Scheme 2023. Collection method: clinical testing. Allele origin: germline.

Breakthrough Genomics
Classification: Likely benign. Review status: criteria provided, single submitter. Criteria: ACMG Guidelines, 2015. Collection method: not provided. Allele origin: germline. Inheritance: Autosomal dominant inheritance. Affected: yes.

Genome-Nilou Lab
Classification: Likely benign for Noonan syndrome 9. Review status: criteria provided, single submitter. Criteria: ACMG Guidelines, 2015. Collection method: clinical testing. Allele origin: germline.

PreventionGenetics, part of Exact Sciences
Classification: Likely benign for SOS2-related condition. Last evaluated: 2020-11-10. Review status: no assertion criteria provided. Collection method: clinical testing. Allele origin: germline. Not counted in ClinVar's aggregate classification.
Comment: This variant is classified as likely benign based on ACMG/AMP sequence variant interpretation guidelines (Richards et al. 2015 PMID: 25741868, with internal and published modifications).

NM_006939.4(SOS2):c.3614C>T (p.Pro1205Leu)

Gene: SOS2 (SOS Ras/Rho guanine nucleotide exchange factor 2; minus strand). Cytogenetic location: 14q21.3.
Variant type: single nucleotide variant.
Coding change: c.3614C>T on transcript NM_006939.4 (MANE Select); coding-DNA position 3614, C replaced by T.
Protein change: p.Pro1205Leu; replaces proline 1205 with leucine.
Molecular consequence: missense variant.
Genome position (GRCh38, 1-based): chr14:50,118,729, G>A on the plus strand (C>T on the coding strand, the complement: SOS2 is on the minus strand). VCF-style: chr14-50118729-G-A. GRCh37 (hg19) VCF-style: chr14-50585447-G-A.
Other names: c.3614C>T (NM_006939.3); short protein forms P1205L.
Identifiers: ClinVar variation 706612 (VCV000706612.18), dbSNP rs113660113, ClinGen allele CA7176740.
Genomic context (GRCh38, chr14:50,118,729, plus strand): 5'-TCTGGAGGCCGAAGGGGAACTGGTGGAGGGGTATCAGGAAGAGGATCTCTTGGTGGTGGC[G>A]GAGGTGGACTATGCAGAGGCCCATCAAATGCACCAGTAGGAACAGGAACTCTGGGTTTTA-3'
Protein context (NP_008870.2, residues 1195-1215): AFDGPLHSPP[Pro1205Leu]PPPRDPLPDT